The following is an entry in ClinVar:

NM_000256.3(MYBPC3):c.459del (p.Ile154fs)

Gene: MYBPC3 (myosin binding protein C3; minus strand). Cytogenetic location: 11p11.2.
Variant type: Deletion.
Coding change: c.459del on transcript NM_000256.3 (MANE Select); coding-DNA position 459, one base deleted (C; older notation c.459delC).
Protein change: p.Ile154fs; shifts the reading frame from isoleucine 154.
Molecular consequence: frameshift variant.
Genome position (GRCh38, 1-based): chr11:47,350,060, G deleted on the plus strand (C on the coding strand, the reverse complement: MYBPC3 is on the minus strand); the first of 4 consecutive G bases (chr11:47,350,060-47,350,063); deleting any one gives the same sequence. VCF-style (leftmost placement, unchanged base first): chr11-47350059-TG-T. GRCh37 (hg19) VCF-style: chr11-47371610-TG-T.
Other names: p.Ile154Leufs*5; c.459del, p.Ile154fs (LRG_386t1); c.459delC (NM_000256.3); short protein forms I154fs.
Identifiers: ClinVar variation 42755 (VCV000042755.22), dbSNP rs397516052, ClinGen allele CA015155.

ClinVar aggregate classification (germline): Pathogenic/Likely pathogenic. Review status: criteria provided, multiple submitters, no conflicts (2 of 4 stars). 7 submissions from 7 submitters: Pathogenic (6); Likely pathogenic (1). Last evaluated 2025-12-17.

Conditions:
Left ventricular noncompaction 10 (LVNC10). Identifiers: Orphanet 154, Orphanet 54260, MedGen C3715165, MONDO:0014163, OMIM 615396.
Hypertrophic cardiomyopathy 4. Also called: Familial hypertrophic cardiomyopathy 4. Identifiers: MedGen C1861862, MONDO:0007268, OMIM 115197.
Hypertrophic cardiomyopathy. Also called: HYPERTROPHIC MYOCARDIOPATHY. Identifiers: Orphanet 217569, MedGen C0007194, MeSH D002312, MONDO:0005045, HP:0001639.

Submissions (7):

Labcorp Genetics (formerly Invitae), Labcorp
Classification: Pathogenic for Hypertrophic cardiomyopathy. Last evaluated: 2025-12-17. Review status: criteria provided, single submitter. Criteria: Invitae Variant Classification Sherloc (09022015). Collection method: clinical testing. Allele origin: germline.
Comment: This sequence change creates a premature translational stop signal (p.Ile154Leufs*5) in the MYBPC3 gene. It is expected to result in an absent or disrupted protein product. Loss-of-function variants in MYBPC3 are known to be pathogenic (PMID: 19574547). This variant is not present in population databases (gnomAD no frequency). This premature translational stop signal has been observed in individual(s) with hypertrophic cardiomyopathy (PMID: 21959974, 23396983, 25335496). ClinVar contains an entry for this variant (Variation ID: 42755). For these reasons, this variant has been classified as Pathogenic.

ARUP Laboratories, Molecular Genetics and Genomics, ARUP Laboratories
Classification: Pathogenic. Last evaluated: 2025-02-10. Review status: criteria provided, single submitter. Criteria: ARUP Molecular Germline Variant Investigation Process 2024. Collection method: clinical testing. Allele origin: germline.
Comment: The MYBPC3 c.459del; p.Ile154LeufsTer5 variant (rs397516052, ClinVar Variation ID 42755) is reported in the literature in multiple individuals affected with hypertrophic cardiomyopathy (Bashyam 2012, Manhas 2022, McGurk 2023, Walsh 2017). This variant is absent from the Genome Aggregation Database (v2.1.1), indicating it is not a common polymorphism. This variant causes a frameshift by deleting a single nucleotide, so it is predicted to result in a truncated protein or mRNA subject to nonsense-mediated decay. Based on available information, this variant is considered to be pathogenic. References: Bashyam MD et al. A low prevalence of MYH7/MYBPC3 mutations among familial hypertrophic cardiomyopathy patients in India. Mol Cell Biochem. 2012 Jan;360(1-2):373-82. PMID: 21959974. Manhas et al. Generation of two iPSC lines from hypertrophic cardiomyopathy patients carrying MYBPC3 and PRKAG2 variants. Stem Cell Res. 2022 May;61:102774. PMID: 35413566. McGurk et al. The penetrance of rare variants in cardiomyopathy-associated genes: A cross-sectional approach to estimating penetrance for secondary findings. Am J Hum Genet. 2023 Sep 7;110(9):1482-1495. PMID: 37652022 Walsh et al. Reassessment of Mendelian gene pathogenicity using 7,855 cardiomyopathy cases and 60,706 reference samples. Genet Med. 2017 Feb;19(2):192-203. PMID: 27532257.

Mayo Clinic Laboratories, Mayo Clinic
Classification: Pathogenic. Last evaluated: 2025-01-06. Review status: criteria provided, single submitter. Criteria: ACMG Guidelines, 2015. Collection method: clinical testing. Allele origin: germline. Observed: 1 variant allele.
Comment: PM2_supporting, PS4_supporting, PVS1

GeneDx
Classification: Pathogenic. Last evaluated: 2023-04-26. Review status: criteria provided, single submitter. Criteria: GeneDx Variant Classification Process June 2021. Collection method: clinical testing. Allele origin: germline. Affected: yes.
Comment: Expression studies in neonatal rat ventricular cardiomyocytes showed this variant caused significantly reduced levels of a truncated protein and failed to exhibit sarcomere incorporation when compared to wild-type protein (Glazier et al., 2018); Frameshift variant predicted to result in protein truncation or nonsense mediated decay in a gene for which loss-of-function is a known mechanism of disease; Not observed at significant frequency in large population cohorts (gnomAD); This variant is associated with the following publications: (PMID: 27532257, 23396983, 21959974, 28640247, 25335496, 29875314)

Fulgent Genetics
Classification: Pathogenic for Hypertrophic cardiomyopathy 4; Left ventricular noncompaction 10. Last evaluated: 2021-09-23. Review status: criteria provided, single submitter. Criteria: ACMG Guidelines, 2015. Collection method: clinical testing. Allele origin: unknown.

Stanford Center for Inherited Cardiovascular Disease, Stanford University
Classification: Likely pathogenic. Last evaluated: 2014-12-22. Review status: criteria provided, single submitter. Criteria: ACMG Guidelines, 2015. Collection method: provider interpretation. Allele origin: germline.

Laboratory for Molecular Medicine, Mass General Brigham Personalized Medicine
Classification: Pathogenic for Hypertrophic cardiomyopathy. Last evaluated: 2012-02-03. Review status: criteria provided, single submitter. Criteria: LMM Criteria. Collection method: clinical testing. Allele origin: germline. Inheritance: Autosomal dominant inheritance. Observed: 6 variant alleles.

Literature cited by the submitters: PubMed 19574547 (cited by Labcorp Genetics (formerly Invitae), Labcorp); PubMed 21959974 (cited by Labcorp Genetics (formerly Invitae), Labcorp and Mayo Clinic Laboratories, Mayo Clinic); PubMed 23396983 (cited by Labcorp Genetics (formerly Invitae), Labcorp); PubMed 25335496 (cited by Labcorp Genetics (formerly Invitae), Labcorp); PubMed 27532257 (cited by Mayo Clinic Laboratories, Mayo Clinic); PubMed 35413566 (cited by Mayo Clinic Laboratories, Mayo Clinic).